The following is an entry in ClinVar:

ClinVar aggregate classification (germline): Conflicting classifications of pathogenicity. Review status: criteria provided, conflicting classifications (1 of 4 stars). 6 submissions from 6 submitters: Uncertain significance (3); Benign (1); Likely benign (1). 1 of the submissions does not count toward it. Last evaluated 2026-01-28.

Conditions:
MPI-congenital disorder of glycosylation. Also called: MANNOSEPHOSPHATE ISOMERASE DEFICIENCY; PROTEIN-LOSING ENTEROPATHY-HEPATIC FIBROSIS SYNDROME; MPI-CDG; CONGENITAL DISORDER OF GLYCOSYLATION, TYPE Ib; CDG Ib; MPI DEFICIENCY. Identifiers: Orphanet 79319, MedGen C1865145, MONDO:0011257, OMIM 602579.

Allele frequency attached by ClinVar (database versions not stated): TOPMed 0.00014; ESP Exome Variant Server 0.00023.
gnomAD v4.1: 239 of 1,614,004 alleles (0.015%); highest among the groups gnomAD compares: Middle Eastern, 0.05%; no homozygotes.

Submissions (6):

Labcorp Genetics (formerly Invitae), Labcorp
Classification: Benign for MPI-congenital disorder of glycosylation. Last evaluated: 2026-01-28. Review status: criteria provided, single submitter. Criteria: Invitae Variant Classification Sherloc (09022015). Collection method: clinical testing. Allele origin: germline.

CeGaT Center for Human Genetics Tuebingen
Classification: Likely benign. Last evaluated: 2024-12-01. Review status: criteria provided, single submitter. Criteria: CeGaT Center For Human Genetics Tuebingen Variant Classification Criteria Version 2. Collection method: clinical testing. Allele origin: germline. Affected: yes. Observed: 2 variant alleles.
Comment: MPI: BP4, BP7

Pars Genome Lab
Classification: Uncertain significance for MPI-congenital disorder of glycosylation. Last evaluated: 2021-05-18. Review status: criteria provided, single submitter. Criteria: ACMG Guidelines, 2015. Collection method: clinical testing. Allele origin: germline. Affected: no.

Illumina Laboratory Services, Illumina
Classification: Uncertain significance for MPI-congenital disorder of glycosylation. Last evaluated: 2018-01-13. Review status: criteria provided, single submitter. Criteria: ICSL Variant Classification Criteria 13 December 2019. Collection method: clinical testing. Allele origin: germline.

Eurofins Ntd Llc (ga)
Classification: Uncertain significance. Last evaluated: 2016-09-22. Review status: criteria provided, single submitter. Criteria: EGL Classification Definitions 2015. Collection method: clinical testing. Allele origin: germline. Observed: 1 variant allele, 1 heterozygote.

Natera, Inc.
Classification: Uncertain significance for Congenital disorder of glycosylation type 1b. Last evaluated: 2020-04-19. Review status: no assertion criteria provided. Collection method: clinical testing. Allele origin: germline. Not counted in ClinVar's aggregate classification.

NM_002435.3(MPI):c.678C>A (p.Ala226=)

Gene: MPI (mannose phosphate isomerase; plus strand). Cytogenetic location: 15q24.1.
Variant type: single nucleotide variant.
Coding change: c.678C>A on transcript NM_002435.3 (MANE Select); coding-DNA position 678, C replaced by A.
Protein change: p.Ala226=; no amino-acid change (alanine 226 retained).
Molecular consequence: synonymous variant.
Genome position (GRCh38, 1-based): chr15:74,896,159, C>A. VCF-style: chr15-74896159-C-A. GRCh37 (hg19) VCF-style: chr15-75188500-C-A.
Other names: c.678C>A, p.Ala226= (NM_001289155.2); c.528C>A, p.Ala176= (NM_001289156.2); c.495C>A, p.Ala165= (NM_001289157.2); c.618C>A, p.Ala206= (NM_001330372.2).
Identifiers: ClinVar variation 94070 (VCV000094070.46), dbSNP rs199972529, ClinGen allele CA221947.